The following is an entry in ClinVar:

NM_001378609.3(OTOGL):c.1892C>G (p.Ser631Cys)

Gene: OTOGL (otogelin like; plus strand). Cytogenetic location: 12q21.31.
Variant type: single nucleotide variant.
Coding change: c.1892C>G on transcript NM_001378609.3 (MANE Select); coding-DNA position 1892, C replaced by G.
Protein change: p.Ser631Cys; replaces serine 631 with cysteine.
Molecular consequence: missense variant.
Genome position (GRCh38, 1-based): chr12:80,261,971, C>G. VCF-style: chr12-80261971-C-G. GRCh37 (hg19) VCF-style: chr12-80655751-C-G.
Other names: c.1892C>G, p.Ser631Cys (NM_001368062.3, NM_001378610.3, NM_173591.7); short protein forms S622C, S631C.
Identifiers: ClinVar variation 517318 (VCV000517318.7), dbSNP rs373638514, ClinGen allele CA385854576.

ClinVar aggregate classification (germline): Uncertain significance. Review status: criteria provided, multiple submitters, no conflicts (2 of 4 stars). 2 submissions from 2 submitters: Uncertain significance (2). Last evaluated 2019-10-14.

Submissions (2):

GeneDx
Classification: Uncertain significance. Last evaluated: 2019-10-14. Review status: criteria provided, single submitter. Criteria: GeneDx Variant Classification Process June 2021. Collection method: clinical testing. Allele origin: germline. Affected: yes.
Comment: Not observed in large population cohorts (Lek et al., 2016); In silico analysis, which includes protein predictors and evolutionary conservation, supports a deleterious effect; Has not been previously published as pathogenic or benign to our knowledge

Laboratory for Molecular Medicine, Mass General Brigham Personalized Medicine
Classification: Uncertain significance. Last evaluated: 2017-03-28. Review status: criteria provided, single submitter. Criteria: LMM Criteria. Collection method: clinical testing. Allele origin: germline. Observed: 1 variant allele.
Comment: The p.Ser622Cys variant in OTOGL has not been previously reported in individuals with hearing loss or in large population studies. Computational prediction tool s and conservation analysis suggest that this variant may impact the protein, th ough this information is not predictive enough to determine pathogenicity. In su mmary, the clinical significance of the p.Ser622Cys variant is uncertain.